The following is an entry in ClinVar:

ClinVar aggregate classification (germline): Uncertain significance (1 of 4 stars; one submission).

Conditions:
Hereditary cancer-predisposing syndrome. Also called: Tumor predisposition; Neoplastic Syndromes, Hereditary; Hereditary neoplastic syndrome; Hereditary Cancer Syndrome. Identifiers: Orphanet 140162, MedGen C0027672, MeSH D009386, MONDO:0015356.

Submission:

Ambry Genetics
Classification: Uncertain significance for Hereditary cancer-predisposing syndrome. Last evaluated: 2024-10-05. Review status: criteria provided, single submitter. Criteria: Ambry Variant Classification Scheme 2023. Collection method: clinical testing. Allele origin: germline.
Comment: The p.V137I variant (also known as c.409G>A), located in coding exon 2 of the TMEM127 gene, results from a G to A substitution at nucleotide position 409. The valine at codon 137 is replaced by isoleucine, an amino acid with highly similar properties. However, this change occurs in the last base pair of coding exon 2, which makes it likely to have some effect on normal mRNA splicing. This nucleotide position is highly conserved in available vertebrate species. This amino acid position is highly conserved in available vertebrate species. In silico splice site analysis for this alteration is inconclusive. In addition, as a missense substitution this is predicted to be inconclusive by in silico analysis. Based on the available evidence, the clinical significance of this variant remains unclear.

NM_017849.4(TMEM127):c.409G>A (p.Val137Ile)

Gene: TMEM127 (transmembrane protein 127; minus strand). Cytogenetic location: 2q11.2.
Variant type: single nucleotide variant.
Coding change: c.409G>A on transcript NM_017849.4 (MANE Select); coding-DNA position 409, G replaced by A.
Protein change: p.Val137Ile; replaces valine 137 with isoleucine.
Molecular consequence: missense variant.
Genome position (GRCh38, 1-based): chr2:96,254,833, C>T on the plus strand (G>A on the coding strand, the complement: TMEM127 is on the minus strand). VCF-style: chr2-96254833-C-T. GRCh37 (hg19) VCF-style: chr2-96920571-C-T.
Other names: c.409G>A, p.Val137Ile (NM_001193304.3); c.157G>A, p.Val53Ile (NM_001407282.1, NM_001407283.1); short protein forms V137I, V53I.
Identifiers: ClinVar variation 3457605 (VCV003457605.1).